The following is an entry in ClinVar:

NM_001035.3(RYR2):c.4186G>A (p.Asp1396Asn)

Gene: RYR2 (ryanodine receptor 2; plus strand). Cytogenetic location: 1q43.
Variant type: single nucleotide variant.
Coding change: c.4186G>A on transcript NM_001035.3 (MANE Select); coding-DNA position 4186, G replaced by A.
Protein change: p.Asp1396Asn; replaces aspartic acid 1396 with asparagine.
Molecular consequence: missense variant.
Genome position (GRCh38, 1-based): chr1:237,591,764, G>A. VCF-style: chr1-237591764-G-A. GRCh37 (hg19) VCF-style: chr1-237755064-G-A.
Other names: c.4186G>A, p.Asp1396Asn (LRG_402t1); short protein forms D1396N.
Identifiers: ClinVar variation 427954 (VCV000427954.3), dbSNP rs1553515422, ClinGen allele CA345398390.
Genomic context (GRCh38, chr1:237,591,764, plus strand): 5'-ATGTTGCTTATTGTTAGTCCTCTGAAATATTTCAGATTTTTGCTTAGAAGAACAAAGCCA[G>A]ATTACAGCACAAGCCATTCTGCAAGACTCACCGAAGATGTCCTTGCTGATGATCGGGATG-3'
Protein context (NP_001026.2, residues 1386-1406): QRFLLRRTKP[Asp1396Asn]YSTSHSARLT

ClinVar aggregate classification (germline): Uncertain significance. Review status: criteria provided, multiple submitters, no conflicts (2 of 4 stars). 2 submissions from 2 submitters: Uncertain significance (2). Last evaluated 2021-07-20.

Conditions:
Arrhythmogenic right ventricular dysplasia 2. Identifiers: MedGen C1832931.
Catecholaminergic polymorphic ventricular tachycardia 1. Also called: VENTRICULAR TACHYCARDIA, CATECHOLAMINERGIC POLYMORPHIC, 1, WITH OR WITHOUT ATRIAL DYSFUNCTION AND/OR DILATED CARDIOMYOPATHY; RYR2-Related Catecholaminergic Polymorphic Ventricular Tachycardia; VENTRICULAR TACHYCARDIA, STRESS-INDUCED POLYMORPHIC 1. Identifiers: Orphanet 3286, MedGen C1631597, MONDO:0011484, OMIM 604772.
Ventricular arrhythmias due to cardiac ryanodine receptor calcium release deficiency syndrome. Also called: Autosomal dominant cardiac arrhythmia (Kuhn). Identifiers: MedGen C5542154, MONDO:0020745, OMIM 115000.
Hypertrophic cardiomyopathy. Also called: HYPERTROPHIC MYOCARDIOPATHY. Identifiers: Orphanet 217569, MedGen C0007194, MeSH D002312, MONDO:0005045, HP:0001639.

Allele frequency attached by ClinVar (database versions not stated): gnomAD exomes below 0.00001.
gnomAD v4.1: 3 of 1,613,252 alleles (0.00019%); highest among the groups gnomAD compares: Non-Finnish European, 0.00025%; no homozygotes.

Submissions (2):

Fulgent Genetics
Classification: Uncertain significance for Ventricular arrhythmias due to cardiac ryanodine receptor calcium release deficiency syndrome; Catecholaminergic polymorphic ventricular tachycardia 1. Last evaluated: 2021-07-20. Review status: criteria provided, single submitter. Criteria: ACMG Guidelines, 2015. Collection method: clinical testing. Allele origin: unknown.

Center for Human Genetics, University of Leuven
Classification: Uncertain significance for Hypertrophic cardiomyopathy. Last evaluated: 2017-02-09. Review status: criteria provided, single submitter. Criteria: ACMG Guidelines, 2015. Collection method: clinical testing. Allele origin: germline. Inheritance: Autosomal dominant inheritance. Affected: yes. Observed: 1 variant allele.
Comment: ACMG score unknown significance